The following is an entry in ClinVar:

ClinVar aggregate classification (germline): Uncertain significance. Review status: criteria provided, multiple submitters, no conflicts (2 of 4 stars). 2 submissions from 2 submitters: Uncertain significance (2). Last evaluated 2026-08-31.

Conditions:
BBS4-related disorder. Also called: BBS4-related condition.
Bardet-Biedl syndrome (BBS). Identifiers: Orphanet 110, MedGen C0752166, MONDO:0015229.

gnomAD v4.1: 6 of 1,613,120 alleles (0.00037%); highest among the groups gnomAD compares: Non-Finnish European, 0.00051%; no homozygotes.

Submissions (2):

PreventionGenetics, part of Exact Sciences
Classification: Uncertain significance for BBS4-related condition. Last evaluated: 2026-08-31. Review status: criteria provided, single submitter. Criteria: ACMG Guidelines, 2015. Collection method: clinical testing. Allele origin: germline.
Comment: The BBS4 c.1506G>T variant is predicted to result in the amino acid substitution p.Glu502Asp. To our knowledge, this variant has not been reported in the literature. This variant is reported in 0.00088% of alleles in individuals of European (Non-Finnish) descent in gnomAD. At this time, the clinical significance of this variant is uncertain due to the absence of conclusive functional and genetic evidence.

Labcorp Genetics (formerly Invitae), Labcorp
Classification: Uncertain significance for Bardet-Biedl syndrome. Last evaluated: 2024-02-17. Review status: criteria provided, single submitter. Criteria: Invitae Variant Classification Sherloc (09022015). Collection method: clinical testing. Allele origin: germline.
Comment: This sequence change replaces glutamic acid, which is acidic and polar, with aspartic acid, which is acidic and polar, at codon 502 of the BBS4 protein (p.Glu502Asp). This variant is present in population databases (no rsID available, gnomAD 0.0009%). This variant has not been reported in the literature in individuals affected with BBS4-related conditions. ClinVar contains an entry for this variant (Variation ID: 1983393). Algorithms developed to predict the effect of missense changes on protein structure and function output the following: SIFT: "Not Available"; PolyPhen-2: "Benign"; Align-GVGD: "Not Available". The aspartic acid amino acid residue is found in multiple mammalian species, which suggests that this missense change does not adversely affect protein function. In summary, the available evidence is currently insufficient to determine the role of this variant in disease. Therefore, it has been classified as a Variant of Uncertain Significance.

NM_033028.5(BBS4):c.1506G>T (p.Glu502Asp)

Gene: BBS4 (Bardet-Biedl syndrome 4; plus strand). Cytogenetic location: 15q24.1.
Variant type: single nucleotide variant.
Coding change: c.1506G>T on transcript NM_033028.5 (MANE Select); coding-DNA position 1506, G replaced by T.
Protein change: p.Glu502Asp; replaces glutamic acid 502 with aspartic acid.
Molecular consequence: missense variant. On other transcripts: non-coding transcript variant (2).
Genome position (GRCh38, 1-based): chr15:72,737,533, G>T. VCF-style: chr15-72737533-G-T. GRCh37 (hg19) VCF-style: chr15-73029874-G-T.
Other names: c.1506G>T (NM_033028.4); c.990G>T, p.Glu330Asp (NM_001252678.2); c.1437G>T, p.Glu479Asp (NM_001320665.2); short protein forms E330D, E479D, E502D.
Identifiers: ClinVar variation 1983393 (VCV001983393.5), dbSNP rs1214707384, ClinGen allele CA393081246.